The following is an entry in ClinVar:

NM_000478.6(ALPL):c.1334C>G (p.Ser445Cys)

Gene: ALPL (alkaline phosphatase, biomineralization associated; plus strand). Cytogenetic location: 1p36.12.
Variant type: single nucleotide variant.
Coding change: c.1334C>G on transcript NM_000478.6 (MANE Select); coding-DNA position 1334, C replaced by G.
Protein change: p.Ser445Cys; replaces serine 445 with cysteine.
Molecular consequence: missense variant.
Genome position (GRCh38, 1-based): chr1:21,577,407, C>G. VCF-style: chr1-21577407-C-G. GRCh37 (hg19) VCF-style: chr1-21903900-C-G.
Other names: c.1169C>G, p.Ser390Cys (NM_001127501.4); c.1103C>G, p.Ser368Cys (NM_001177520.3); c.1334C>G, p.Ser445Cys (NM_001369803.2, NM_001369804.2, NM_001369805.2); short protein forms S368C, S390C, S445C.
Identifiers: ClinVar variation 4060121 (VCV004060121.3).

ClinVar aggregate classification (germline): Likely pathogenic. Review status: criteria provided, multiple submitters, no conflicts (2 of 4 stars). 2 submissions from 2 submitters: Likely pathogenic (2). Last evaluated 2026-09-01.

Conditions:
Hypophosphatasia. Also called: Phosphoethanol-aminuria. Identifiers: Orphanet 436, MedGen C0020630, MeSH D007014, MONDO:0018570.

gnomAD v4.1: 1 of 1,613,194 alleles (0.000062%); highest among the groups gnomAD compares: East Asian, 0.0022%; no homozygotes.

Submissions (2):

Genomenon, Inc
Classification: Likely pathogenic for Hypophosphatasia. Last evaluated: 2026-09-01. Review status: criteria provided, single submitter. Criteria: Genomenon Sequence Variant Interpretation Standards - Updated. Collection method: curation. Allele origin: germline. Affected: yes.
Comment: ALPL p.Ser445Cys (c.1334C>G) is a missense variant that changes the amino acid at codon 445 from Serine to Cysteine. This variant has been observed in at least one proband affected with an ALPL-related disorder (PMID:41367618). It has been observed in trans with a pathogenic or likely pathogenic variant in at least one individual (PMID:41367618). It is absent or not present at a significant frequency in gnomAD. In silico models predict that this variant is possibly or probably damaging. In conclusion, we classify ALPL p.Ser445Cys (c.1334C>G) as a likely pathogenic variant.

Natera, Inc.
Classification: Likely pathogenic for Hypophosphatasia. Last evaluated: 2025-05-02. Review status: criteria provided, single submitter. Criteria: Natera Variant Classification Schema (03/2026). Collection method: clinical testing. Allele origin: germline.
Comment: The c.1334C>G variant in ALPL is a missense variant predicted to cause substitution of serine to cysteine at amino acid 445. This variant is rare in the general population with a frequency below the threshold expected for the associated phenotype(s). This variant has been observed in one or more individuals affected with the associated recessive disease, as either homozygous or compound heterozygous with a second variant (PMID: 37885183). A different variant at the same position has been determined to be Pathogenic or Likely Pathogenic. Computational prediction algorithms indicate this variant is likely to affect gene or protein function. Given the available evidence, this variant is classified as Likely Pathogenic.

Literature cited by the submitters: PubMed 41367618 (cited by Genomenon, Inc); PubMed 37885183 (cited by Natera, Inc.).